The following is an entry in ClinVar:

ClinVar aggregate classification (germline): Pathogenic (1 of 4 stars; one submission).

Submission:

Labcorp Genetics (formerly Invitae), Labcorp
Classification: Pathogenic. Last evaluated: 2024-01-19. Review status: criteria provided, single submitter. Criteria: Invitae Variant Classification Sherloc (09022015). Collection method: clinical testing. Allele origin: germline.
Comment: This sequence change creates a premature translational stop signal (p.Phe1223Profs*6) in the COL2A1 gene. It is expected to result in an absent or disrupted protein product. Loss-of-function variants in COL2A1 are known to be pathogenic (PMID: 20179744). This variant is not present in population databases (gnomAD no frequency). This variant has not been reported in the literature in individuals affected with COL2A1-related conditions. For these reasons, this variant has been classified as Pathogenic.

Literature cited by the submitters: PubMed 20179744.

NM_001844.5(COL2A1):c.3661_3665dup (p.Phe1223fs)

Gene: COL2A1 (collagen type II alpha 1 chain; minus strand). Cytogenetic location: 12q13.11.
Variant type: Duplication.
Coding change: c.3661_3665dup on transcript NM_001844.5 (MANE Select); coding-DNA positions 3661 to 3665, 5 bases duplicated (TCCGC; older notation c.3661_3665dupTCCGC).
Protein change: p.Phe1223fs; shifts the reading frame from phenylalanine 1223.
Molecular consequence: frameshift variant.
Genome position (GRCh38, 1-based): chr12:47,975,538-47,975,542, GCGGA duplicated on the plus strand (TCCGC on the coding strand, the reverse complement: COL2A1 is on the minus strand). VCF-style (leftmost placement, unchanged base first): chr12-47975537-G-GGCGGA. GRCh37 (hg19) VCF-style: chr12-48369320-G-GGCGGA.
Other names: c.3454_3458dup, p.Phe1154fs (NM_033150.3); short protein forms F1223fs, F1154fs.
Identifiers: ClinVar variation 2710188 (VCV002710188.3), dbSNP rs2540100653, ClinGen allele CA2697559176.